The following is an entry in ClinVar:

ClinVar aggregate classification (germline): Uncertain significance. Review status: criteria provided, single submitter (1 of 4 stars). 2 submissions from 2 submitters: Uncertain significance (1). 1 of the submissions does not count toward it. Last evaluated 2025-02-25.

Conditions:
PHF3-related disorder. Also called: PHF3-related condition.

Allele frequency attached by ClinVar (database versions not stated): ESP Exome Variant Server 0.00008; 1000 Genomes Project 30x 0.00016; gnomAD 0.00017; TOPMed 0.00017; 1000 Genomes Project 0.00020.
gnomAD v4.1: 384 of 1,613,958 alleles (0.024%); highest among the groups gnomAD compares: Non-Finnish European, 0.03%; 1 homozygote.

Submissions (2):

Ambry Genetics
Classification: Uncertain significance. Last evaluated: 2025-02-25. Review status: criteria provided, single submitter. Criteria: Ambry Variant Classification Scheme 2023. Collection method: clinical testing. Allele origin: germline.

PreventionGenetics, part of Exact Sciences
Classification: Uncertain significance for PHF3-related condition. Last evaluated: 2024-02-07. Review status: no assertion criteria provided. Collection method: clinical testing. Allele origin: germline. Not counted in ClinVar's aggregate classification.
Comment: The PHF3 c.1804G>A variant is predicted to result in the amino acid substitution p.Ala602Thr. To our knowledge, this variant has not been reported in the literature. This variant is reported in 0.032% of alleles in individuals of European (Non-Finnish) descent in gnomAD. At this time, the clinical significance of this variant is uncertain due to the absence of conclusive functional and genetic evidence.

NM_001370348.2(PHF3):c.1804G>A (p.Ala602Thr)

Gene: PHF3 (PHD finger protein 3; plus strand). Cytogenetic location: 6q12.
Variant type: single nucleotide variant.
Coding change: c.1804G>A on transcript NM_001370348.2 (MANE Select); coding-DNA position 1804, G replaced by A.
Protein change: p.Ala602Thr; replaces alanine 602 with threonine.
Molecular consequence: missense variant. On other transcripts: intron variant (1).
Genome position (GRCh38, 1-based): chr6:63,685,526, G>A. VCF-style: chr6-63685526-G-A. GRCh37 (hg19) VCF-style: chr6-64395427-G-A.
Other names: c.1540G>A, p.Ala514Thr (NM_001290259.2, NM_001370349.2); c.1804G>A, p.Ala602Thr (NM_001290260.2, NM_015153.4); c.-5+5365G>A (NM_001370350.2); c.1804G>A (NM_015153.3); short protein forms A514T, A602T.
Identifiers: ClinVar variation 2368084 (VCV002368084.5), dbSNP rs200059706, ClinGen allele CA3875753.